The following is an entry in ClinVar:

ClinVar aggregate classification (germline): Uncertain significance (1 of 4 stars; one submission).

Allele frequency attached by ClinVar (database versions not stated): TOPMed 0.00001; gnomAD 0.00001.
gnomAD v4.1: 3 of 1,613,928 alleles (0.00019%); highest among the groups gnomAD compares: Non-Finnish European, 0.00025%; no homozygotes.

Submission:

Labcorp Genetics (formerly Invitae), Labcorp
Classification: Uncertain significance. Last evaluated: 2025-08-13. Review status: criteria provided, single submitter. Criteria: Invitae Variant Classification Sherloc (09022015). Collection method: clinical testing. Allele origin: germline.
Comment: This sequence change replaces aspartic acid, which is acidic and polar, with asparagine, which is neutral and polar, at codon 559 of the VCAN protein (p.Asp559Asn). This variant is not present in population databases (gnomAD no frequency). This variant has not been reported in the literature in individuals affected with VCAN-related conditions. ClinVar contains an entry for this variant (Variation ID: 2907741). An algorithm developed to predict the effect of missense changes on protein structure and function (PolyPhen-2) suggests that this variant is likely to be disruptive. In summary, the available evidence is currently insufficient to determine the role of this variant in disease. Therefore, it has been classified as a Variant of Uncertain Significance.

NM_004385.5(VCAN):c.1675G>A (p.Asp559Asn)

Gene: VCAN (versican; plus strand). Cytogenetic location: 5q14.3.
Variant type: single nucleotide variant.
Coding change: c.1675G>A on transcript NM_004385.5 (MANE Select); coding-DNA position 1675, G replaced by A.
Protein change: p.Asp559Asn; replaces aspartic acid 559 with asparagine.
Molecular consequence: missense variant. On other transcripts: intron variant (2).
Genome position (GRCh38, 1-based): chr5:83,519,981, G>A. VCF-style: chr5-83519981-G-A. GRCh37 (hg19) VCF-style: chr5-82815800-G-A.
Other names: c.1675G>A, p.Asp559Asn (NM_001164098.2); c.1042+7585G>A (NM_001164097.2, NM_001126336.3); short protein forms D559N.
Identifiers: ClinVar variation 2907741 (VCV002907741.3), dbSNP rs1746016534, ClinGen allele CA360301517.